The following is an entry in ClinVar:

NM_000191.3(HMGCL):c.608G>A (p.Gly203Glu)

Gene: HMGCL (3-hydroxy-3-methylglutaryl-CoA lyase; minus strand). Cytogenetic location: 1p36.11.
Variant type: single nucleotide variant.
Coding change: c.608G>A on transcript NM_000191.3 (MANE Select); coding-DNA position 608, G replaced by A.
Protein change: p.Gly203Glu; replaces glycine 203 with glutamic acid.
Molecular consequence: missense variant.
Genome position (GRCh38, 1-based): chr1:23,808,277, C>T on the plus strand (G>A on the coding strand, the complement: HMGCL is on the minus strand). VCF-style: chr1-23808277-C-T. GRCh37 (hg19) VCF-style: chr1-24134767-C-T.
Other names: c.395G>A, p.Gly132Glu (NM_001166059.2); short protein forms G203E, G132E.
Identifiers: ClinVar variation 553197 (VCV000553197.7), dbSNP rs1553131940, ClinGen allele CA339024308.
Genomic context (GRCh38, chr1:23,808,277, plus strand): 5'-TGCATGACAGCAGATAGCATGTCTTTCATGATCCCTGGGGTGCCCACACCAATGGTGTCC[C>T]CCAGGGAGATCTCGTAGCAGCCCATTGAGTAGAACTTCTTGGTGACCTAAGGAAGCAAGC-3'
Protein context (NP_000182.2, residues 193-213): YSMGCYEISL[Gly203Glu]DTIGVGTPGI

ClinVar aggregate classification (germline): Uncertain significance. Review status: criteria provided, multiple submitters, no conflicts (2 of 4 stars). 3 submissions from 3 submitters: Uncertain significance (2). 1 of the submissions does not count toward it. Last evaluated 2023-04-11.

Conditions:
Deficiency of hydroxymethylglutaryl-CoA lyase (HMGCLD). Also called: HMGCL DEFICIENCY; HYDROXYMETHYLGLUTARIC ACIDURIA; HMG-CoA LYASE DEFICIENCY; Defect in leucine metabolism; 3-hydroxy-3-methylglutaric aciduria. Identifiers: Orphanet 20, MedGen C1533587, MONDO:0009520, OMIM 246450.

Allele frequency attached by ClinVar (database versions not stated): gnomAD exomes below 0.00001; TOPMed below 0.00001.
gnomAD v4.1: 1 of 1,614,090 alleles (0.000062%); highest among the groups gnomAD compares: Non-Finnish European, 0.000085%; no homozygotes.

Submissions (3):

Genome-Nilou Lab
Classification: Uncertain significance for Deficiency of hydroxymethylglutaryl-CoA lyase. Last evaluated: 2023-04-11. Review status: criteria provided, single submitter. Criteria: ACMG Guidelines, 2015. Collection method: clinical testing. Allele origin: germline. Affected: no.

Labcorp Genetics (formerly Invitae), Labcorp
Classification: Uncertain significance for Deficiency of hydroxymethylglutaryl-CoA lyase. Last evaluated: 2021-09-17. Review status: criteria provided, single submitter. Criteria: Invitae Variant Classification Sherloc (09022015). Collection method: clinical testing. Allele origin: germline.
Comment: This sequence change replaces glycine with glutamic acid at codon 203 of the HMGCL protein (p.Gly203Glu). The glycine residue is highly conserved and there is a moderate physicochemical difference between glycine and glutamic acid. This variant is not present in population databases (ExAC no frequency). This variant has been observed in individual(s) with 3HMG-CoA lyase deficiency (PMID: 16601870). ClinVar contains an entry for this variant (Variation ID: 553197). Algorithms developed to predict the effect of missense changes on protein structure and function (SIFT, PolyPhen-2, Align-GVGD) all suggest that this variant is likely to be disruptive. Experimental studies have shown that this variant affects HMGCL protein function (PMID: 16601870). In summary, the available evidence is currently insufficient to determine the role of this variant in disease. Therefore, it has been classified as a Variant of Uncertain Significance.

Counsyl
Classification: Uncertain significance for Deficiency of hydroxymethylglutaryl-CoA lyase. Last evaluated: 2017-08-04. Review status: no assertion criteria provided. Collection method: clinical testing. Allele origin: unknown. Not counted in ClinVar's aggregate classification.

Literature cited by the submitters: PubMed 16601870 (cited by Labcorp Genetics (formerly Invitae), Labcorp and Counsyl).